The following is an entry in ClinVar:

NM_016151.4(TAOK2):c.2692G>A (p.Val898Ile)

Gene: TAOK2 (TAO kinase 2; plus strand). Cytogenetic location: 16p11.2.
Variant type: single nucleotide variant.
Coding change: c.2692G>A on transcript NM_016151.4 (MANE Select); coding-DNA position 2692, G replaced by A.
Protein change: p.Val898Ile; replaces valine 898 with isoleucine.
Molecular consequence: missense variant. On other transcripts: intron variant (1).
Genome position (GRCh38, 1-based): chr16:29,986,964, G>A. VCF-style: chr16-29986964-G-A. GRCh37 (hg19) VCF-style: chr16-29998285-G-A.
Other names: c.2353G>A, p.Val785Ile (NM_001252043.2); c.2232+460G>A (NM_004783.4); short protein forms V785I, V898I.
Identifiers: ClinVar variation 4745640 (VCV004745640.1).

ClinVar aggregate classification (germline): Uncertain significance (1 of 4 stars; one submission).

gnomAD v4.1: 13 of 1,613,736 alleles (0.00081%); highest among the groups gnomAD compares: South Asian, 0.0088%; no homozygotes.

Submission:

Labcorp Genetics (formerly Invitae), Labcorp
Classification: Uncertain significance. Last evaluated: 2025-12-23. Review status: criteria provided, single submitter. Criteria: Invitae Variant Classification Sherloc (09022015). Collection method: clinical testing. Allele origin: germline.
Comment: This sequence change replaces valine, which is neutral and non-polar, with isoleucine, which is neutral and non-polar, at codon 898 of the TAOK2 protein (p.Val898Ile). This variant is present in population databases (rs145442196, gnomAD 0.01%). This variant has not been reported in the literature in individuals affected with TAOK2-related conditions. An algorithm developed to predict the effect of missense changes on protein structure and function (PolyPhen-2) suggests that this variant is likely to be disruptive. In summary, the available evidence is currently insufficient to determine the role of this variant in disease. Therefore, it has been classified as a Variant of Uncertain Significance.